The following is an entry in ClinVar:

NC_000013.10:g.(?_100807223)_(100962172_?)dup

Gene: PCCA (propionyl-CoA carboxylase subunit alpha; plus strand). Cytogenetic location: 13q32.3.
Variant type: Duplication.
Identifiers: ClinVar variation 3244156 (VCV003244156.1).

ClinVar aggregate classification (germline): Likely pathogenic (1 of 4 stars; one submission).

Conditions:
Propionic acidemia (PROP). Also called: GLYCINEMIA, KETOTIC; HYPERGLYCINEMIA WITH KETOACIDOSIS AND LEUKOPENIA; KETOTIC HYPERGLYCINEMIA. Identifiers: Orphanet 35, MedGen C0268579, MONDO:0011628, OMIM 606054, HP:0003571.

Submission:

Labcorp Genetics (formerly Invitae), Labcorp
Classification: Likely pathogenic for Propionic acidemia. Last evaluated: 2022-10-20. Review status: criteria provided, single submitter. Criteria: Invitae Variant Classification Sherloc (09022015). Collection method: clinical testing. Allele origin: unknown.
Comment: In summary, the currently available evidence indicates that the variant is pathogenic, but additional data are needed to prove that conclusively. Therefore, this variant has been classified as Likely Pathogenic. This variant has not been reported in the literature in individuals affected with PCCA-related conditions. This variant results in a copy number gain of the genomic region encompassing exon(s) 5-16 of the PCCA gene. While the exact position of this variant cannot be determined from the data, sub-genic copy number gains are generally in tandem (PMID: 25640679). This variant is predicted to be out-of-frame, and may result in an absent or disrupted protein product. Loss-of-function variants in PCCA are known to be pathogenic (PMID: 15464417).

Literature cited by the submitters: PubMed 25640679; PubMed 15464417.